The following is an entry in ClinVar:

ClinVar aggregate classification (germline): Uncertain significance (1 of 4 stars; one submission).

gnomAD v4.1: 71 of 1,613,526 alleles (0.0044%); highest among the groups gnomAD compares: Non-Finnish European, 0.0059%; no homozygotes.

Submission:

Dasa
Classification: Uncertain significance. Last evaluated: 2026-01-07. Review status: criteria provided, single submitter. Criteria: DASA Assertion Criteria. Collection method: clinical testing. Allele origin: germline.
Comment: NM_000827.4(GRIA1):c.2057C>T (p.Thr686Ile) is a missense variant that results in the substitution of threonine with isoleucine. This variant is rare in population databases. The currently available literature and clinical evidence are not sufficient to establish a definitive association between this variant and the reported condition. Therefore, this variant is classified as a variant of uncertain significance.

NM_000827.4(GRIA1):c.2057C>T (p.Thr686Ile)

Gene: GRIA1 (glutamate ionotropic receptor AMPA type subunit 1; plus strand). Cytogenetic location: 5q33.2.
Variant type: single nucleotide variant.
Coding change: c.2057C>T on transcript NM_000827.4 (MANE Select); coding-DNA position 2057, C replaced by T.
Protein change: p.Thr686Ile; replaces threonine 686 with isoleucine.
Molecular consequence: missense variant. On other transcripts: non-coding transcript variant (2).
Genome position (GRCh38, 1-based): chr5:153,770,202, C>T. VCF-style: chr5-153770202-C-T. GRCh37 (hg19) VCF-style: chr5-153149762-C-T.
Other names: c.1850C>T, p.Thr617Ile (NM_001258023.1, NM_001364167.2); c.1889C>T, p.Thr630Ile (NM_001364165.2); c.2084C>T, p.Thr695Ile (NM_001364166.2); c.1772C>T, p.Thr591Ile (NM_001258020.2); c.2087C>T, p.Thr696Ile (NM_001258021.2, NM_001258022.2); c.2057C>T, p.Thr686Ile (NM_001114183.2); c.1817C>T, p.Thr606Ile (NM_001258019.2); short protein forms T591I, T606I, T617I, T630I, T686I, T695I, T696I.
Identifiers: ClinVar variation 4884906 (VCV004884906.2).
Genomic context (GRCh38, chr5:153,770,202, plus strand): 5'-TCCAGCTTTGTTTCTGTCCCTACCAGAGGTCTAAAATTGCTGTGTTTGAGAAGATGTGGA[C>T]ATACATGAAGTCAGCAGAGCCATCAGTTTTTGTGCGGACCACAGAGGAGGGGATGATTCG-3'
Protein context (NP_000818.2, residues 676-696): SKIAVFEKMW[Thr686Ile]YMKSAEPSVF